The following is an entry in ClinVar:

ClinVar aggregate classification (germline): Uncertain significance. Review status: reviewed by expert panel (3 of 4 stars). 2 submissions from 2 submitters: Uncertain significance (1). 1 of the submissions does not count toward it. Last evaluated 2024-08-12.

Conditions:
Hereditary thrombocytopenia and hematological cancer predisposition syndrome associated with RUNX1. Also called: PLATELET DISORDER, ASPIRIN-LIKE; Familial Platelet Disorder with Propensity to Acute Myelogenous Leukemia; Familial thrombocytopenia with propensity to acute myelogenous leukemia; RUNX1 Familial Platelet Disorder with Associated Myeloid Malignancies. Identifiers: Orphanet 71290, MedGen C1832388, MeSH C563324, MONDO:0100083, OMIM 601399.
Hereditary thrombocytopenia and hematologic cancer predisposition syndrome. Identifiers: Orphanet 71290, MedGen CN281654, MONDO:0011071.

Submissions (2):

ClinGen Myeloid Malignancy Variant Curation Expert Panel
Classification: Uncertain significance for Hereditary thrombocytopenia and hematologic cancer predisposition syndrome. Last evaluated: 2024-08-12. Review status: reviewed by expert panel. Criteria: ClinGen MyeloMalig ACMG Specifications v2. Collection method: curation. Allele origin: germline. Inheritance: Autosomal dominant inheritance.
Comment: NM_001754.5(RUNX1):c.957_959del (p.Ser319del) is an in-frame deletion variant which does not occur within the Runt Homology Domain (AA 89-204) (PM4 not applicable). This variant is completely absent from all population databases with at least 20x coverage for RUNX1 (PM2_supporting). In summary, the clinical significance of this variant is uncertain. ACMG/AMP criteria applied, as specified by the Myeloid Malignancy Variant Curation Expert Panel for RUNX1: PM2_supporting.

Labcorp Genetics (formerly Invitae), Labcorp
Classification: Uncertain significance for Hereditary thrombocytopenia and hematological cancer predisposition syndrome associated with RUNX1. Last evaluated: 2020-09-24. Review status: criteria provided, single submitter. Criteria: Invitae Variant Classification Sherloc (09022015). Collection method: clinical testing. Allele origin: germline. Not counted in ClinVar's aggregate classification.
Comment: In summary, the available evidence is currently insufficient to determine the role of this variant in disease. Therefore, it has been classified as a Variant of Uncertain Significance. Experimental studies and prediction algorithms are not available or were not evaluated, and the functional significance of this variant is currently unknown. This variant has not been reported in the literature in individuals with RUNX1-related conditions. This variant is not present in population databases (ExAC no frequency). This variant, c.957_959del, results in the deletion of 1 amino acid(s) of the RUNX1 protein (p.Ser319del), but otherwise preserves the integrity of the reading frame.

NM_001754.5(RUNX1):c.957_959del (p.Ser319del)

Gene: RUNX1 (RUNX family transcription factor 1; minus strand). Cytogenetic location: 21q22.12.
Variant type: Deletion.
Coding change: c.957_959del on transcript NM_001754.5 (MANE Select); coding-DNA positions 957 to 959, 3 bases deleted (TCG; older notation c.957_959delTCG).
Protein change: p.Ser319del; deletes serine 319.
Molecular consequence: inframe deletion.
Genome position (GRCh38, 1-based): chr21:34,799,309-34,799,311, CGA deleted on the plus strand (TCG on the coding strand, the reverse complement: RUNX1 is on the minus strand); deleting any 3 consecutive bases within chr21:34,799,309-34,799,312 gives the same sequence; the c. name uses the placement nearest the transcript's 3' end. VCF-style (leftmost placement, unchanged base first): chr21-34799308-TCGA-T. GRCh37 (hg19) VCF-style: chr21-36171605-TCGA-T.
Other names: NM_001754.5(RUNX1):c.957_959del; p.Ser319del; c.876_878del, p.Ser292del (NM_001001890.3); short protein forms S292del, S319del.
Identifiers: ClinVar variation 1046092 (VCV001046092.9), dbSNP rs2056574697, ClinGen allele CA2387257481.
Genomic context (GRCh38, chr21:34,799,308, plus strand): 5'-CTGGACCTTCCACCCCAGCTCAGCTGCAAAGAATGTGTTTTCAAGTGGCTTACTTGAGAG[TCGA>T]CTGGAAAGTTCTGCAGAGAGGGTTGTCATGCCGCTGGCACGTCCAGGTGAAATGGGCGTT-3'